The following is an entry in ClinVar:

ClinVar aggregate classification (germline): Uncertain significance (1 of 4 stars; one submission).

gnomAD v4.1: 3 of 1,613,852 alleles (0.00019%); highest among the groups gnomAD compares: Non-Finnish European, 0.00025%; no homozygotes.

Submission:

Ambry Genetics
Classification: Uncertain significance. Last evaluated: 2024-06-24. Review status: criteria provided, single submitter. Criteria: Ambry Variant Classification Scheme 2023. Collection method: clinical testing. Allele origin: germline.
Comment: The p.D405N variant (also known as c.1213G>A), located in coding exon 12 of the PRKDC gene, results from a G to A substitution at nucleotide position 1213. The aspartic acid at codon 405 is replaced by asparagine, an amino acid with highly similar properties. This amino acid position is conserved. In addition, this alteration is predicted to be tolerated by in silico analysis. Based on the available evidence, the clinical significance of this variant remains unclear.

NM_006904.7(PRKDC):c.1213G>A (p.Asp405Asn)

Gene: PRKDC (protein kinase, DNA-activated, catalytic subunit; minus strand). Cytogenetic location: 8q11.21.
Variant type: single nucleotide variant.
Coding change: c.1213G>A on transcript NM_006904.7 (MANE Select); coding-DNA position 1213, G replaced by A.
Protein change: p.Asp405Asn; replaces aspartic acid 405 with asparagine.
Molecular consequence: missense variant.
Genome position (GRCh38, 1-based): chr8:47,936,418, C>T on the plus strand (G>A on the coding strand, the complement: PRKDC is on the minus strand). VCF-style: chr8-47936418-C-T. GRCh37 (hg19) VCF-style: chr8-48848978-C-T.
Other names: c.1213G>A, p.Asp405Asn (NM_001081640.2); short protein forms D405N.
Identifiers: ClinVar variation 3310047 (VCV003310047.1).
Genomic context (GRCh38, chr8:47,936,418, plus strand): 5'-CAAGGTACAGCAAGACGCTTGCAACAGACTGGAGGAAGCTTGGCATCTGATAAACACGGT[C>T]GTCACCAGTGTCTGTCTGGGTGAGGAACATCTGCTTGCAGCGCTGAATGAGCTCAACGTA-3'
Protein context (NP_008835.5, residues 395-415): MFLTQTDTGD[Asp405Asn]RVYQMPSFLQ